The following is an entry in ClinVar:

ClinVar aggregate classification (germline): Uncertain significance (1 of 4 stars; one submission).

Submission:

Labcorp Genetics (formerly Invitae), Labcorp
Classification: Uncertain significance. Last evaluated: 2021-10-06. Review status: criteria provided, single submitter. Criteria: Invitae Variant Classification Sherloc (09022015). Collection method: clinical testing. Allele origin: germline.
Comment: This sequence change replaces serine with cysteine at codon 304 of the CTNNA1 protein (p.Ser304Cys). The serine residue is highly conserved and there is a moderate physicochemical difference between serine and cysteine. This variant is not present in population databases (ExAC no frequency). This variant has not been reported in the literature in individuals affected with CTNNA1-related conditions. Algorithms developed to predict the effect of missense changes on protein structure and function are either unavailable or do not agree on the potential impact of this missense change (SIFT: "Deleterious"; PolyPhen-2: "Probably Damaging"; Align-GVGD: "Class C0"). In summary, the available evidence is currently insufficient to determine the role of this variant in disease. Therefore, it has been classified as a Variant of Uncertain Significance.

NM_001903.5(CTNNA1):c.911C>G (p.Ser304Cys)

Gene: CTNNA1 (catenin alpha 1; plus strand). Cytogenetic location: 5q31.2.
Variant type: single nucleotide variant.
Coding change: c.911C>G on transcript NM_001903.5 (MANE Select); coding-DNA position 911, C replaced by G.
Protein change: p.Ser304Cys; replaces serine 304 with cysteine.
Molecular consequence: missense variant.
Genome position (GRCh38, 1-based): chr5:138,827,567, C>G. VCF-style: chr5-138827567-C-G. GRCh37 (hg19) VCF-style: chr5-138163256-C-G.
Other names: c.911C>G, p.Ser304Cys (NM_001290307.3, NM_001323982.2, NM_001323983.1 and 3 more transcripts); c.602C>G, p.Ser201Cys (NM_001290309.3); c.542C>G, p.Ser181Cys (NM_001290310.3); short protein forms S304C, S201C, S181C.
Identifiers: ClinVar variation 1384890 (VCV001384890.6), dbSNP rs2149785598, ClinGen allele CA361130809.